The following is an entry in ClinVar:

NM_019108.4(SMG9):c.1244C>T (p.Pro415Leu)

Gene: SMG9 (SMG9 nonsense mediated mRNA decay factor; minus strand). Cytogenetic location: 19q13.31.
Variant type: single nucleotide variant.
Coding change: c.1244C>T on transcript NM_019108.4 (MANE Select); coding-DNA position 1244, C replaced by T.
Protein change: p.Pro415Leu; replaces proline 415 with leucine.
Molecular consequence: missense variant.
Genome position (GRCh38, 1-based): chr19:43,733,419, G>A on the plus strand (C>T on the coding strand, the complement: SMG9 is on the minus strand). VCF-style: chr19-43733419-G-A. GRCh37 (hg19) VCF-style: chr19-44237571-G-A.
Other names: c.1244C>T (NM_019108.2); short protein forms P415L.
Identifiers: ClinVar variation 3067346 (VCV003067346.22), dbSNP rs201687817, ClinGen allele CA9491207.

ClinVar aggregate classification (germline): Uncertain significance. Review status: criteria provided, multiple submitters, no conflicts (2 of 4 stars). 2 submissions from 2 submitters: Uncertain significance (2). Last evaluated 2024-07-23.

Conditions:
Inborn genetic diseases. Identifiers: MedGen C0950123, MeSH D030342.

Allele frequency attached by ClinVar (database versions not stated): gnomAD 0.00001; ExAC 0.00004; 1000 Genomes Project 30x 0.00016; 1000 Genomes Project 0.00020.
gnomAD v4.1: 43 of 1,613,982 alleles (0.0027%); highest among the groups gnomAD compares: East Asian, 0.013%; no homozygotes.

Submissions (2):

Ambry Genetics
Classification: Uncertain significance for Inborn genetic diseases. Last evaluated: 2024-07-23. Review status: criteria provided, single submitter. Criteria: Ambry Variant Classification Scheme 2023. Collection method: clinical testing. Allele origin: germline.

CeGaT Center for Human Genetics Tuebingen
Classification: Uncertain significance. Last evaluated: 2024-03-01. Review status: criteria provided, single submitter. Criteria: CeGaT Center For Human Genetics Tuebingen Variant Classification Criteria Version 2. Collection method: clinical testing. Allele origin: germline. Affected: yes. Observed: 1 variant allele.
Comment: SMG9: PM2